The following is an entry in ClinVar:

NM_174936.4(PCSK9):c.430G>C (p.Glu144Gln)

Gene: PCSK9 (proprotein convertase subtilisin/kexin type 9; plus strand). Cytogenetic location: 1p32.3.
Variant type: single nucleotide variant.
Coding change: c.430G>C on transcript NM_174936.4 (MANE Select); coding-DNA position 430, G replaced by C.
Protein change: p.Glu144Gln; replaces glutamic acid 144 with glutamine.
Molecular consequence: missense variant. On other transcripts: non-coding transcript variant (6), intron variant (1).
Genome position (GRCh38, 1-based): chr1:55,046,553, G>C. VCF-style: chr1-55046553-G-C. GRCh37 (hg19) VCF-style: chr1-55512226-G-C.
Other names: c.553G>C, p.Glu185Gln (NM_001407240.1); c.430G>C, p.Glu144Gln (NM_001407241.1, NM_001407242.1, NM_001407244.1 and 1 more transcripts); c.238G>C, p.Glu80Gln (NM_001407245.1); c.55G>C, p.Glu19Gln (NM_001407246.1); c.400-27G>C (NM_001407243.1); short protein forms E144Q, E185Q, E19Q, E80Q.
Identifiers: ClinVar variation 3229297 (VCV003229297.1), dbSNP rs776150122, ClinGen allele CA340484552.
Genomic context (GRCh38, chr1:55,046,553, plus strand): 5'-AGAGTCCCCCGGCCTCTCTGGCTTCTGCAGGCCTTGAAGTTGCCCCATGTCGACTACATC[G>C]AGGAGGACTCCTCTGTCTTTGCCCAGAGCATCCCGTGGAACCTGGAGCGGATTACCCCTC-3'
Protein context (NP_777596.2, residues 134-154): ALKLPHVDYI[Glu144Gln]EDSSVFAQSI

ClinVar aggregate classification (germline): Uncertain significance (1 of 4 stars; one submission).

Conditions:
Cardiovascular phenotype. Identifiers: MedGen CN230736.

Allele frequency attached by ClinVar (database versions not stated): TOPMed below 0.00001.

Submission:

Ambry Genetics
Classification: Uncertain significance for Cardiovascular phenotype. Last evaluated: 2023-10-02. Review status: criteria provided, single submitter. Criteria: Ambry Variant Classification Scheme 2023. Collection method: clinical testing. Allele origin: germline.
Comment: The p.E144Q variant (also known as c.430G>C), located in coding exon 3 of the PCSK9 gene, results from a G to C substitution at nucleotide position 430. The glutamic acid at codon 144 is replaced by glutamine, an amino acid with highly similar properties. This amino acid position is conserved. In addition, the in silico prediction for this alteration is inconclusive. Since supporting evidence is limited at this time, the clinical significance of this alteration remains unclear.